The following is an entry in ClinVar:

NM_003742.4(ABCB11):c.3605T>C (p.Met1202Thr)

Gene: ABCB11 (ATP binding cassette subfamily B member 11; minus strand). Cytogenetic location: 2q31.1.
Variant type: single nucleotide variant.
Coding change: c.3605T>C on transcript NM_003742.4 (MANE Select); coding-DNA position 3605, T replaced by C.
Protein change: p.Met1202Thr; replaces methionine 1202 with threonine.
Molecular consequence: missense variant.
Genome position (GRCh38, 1-based): chr2:168,927,169, A>G on the plus strand (T>C on the coding strand, the complement: ABCB11 is on the minus strand). VCF-style: chr2-168927169-A-G. GRCh37 (hg19) VCF-style: chr2-169783679-A-G.
Other names: short protein forms M1202T.
Identifiers: ClinVar variation 4846096 (VCV004846096.1).

ClinVar aggregate classification (germline): Uncertain significance (1 of 4 stars; one submission).

Conditions:
Familial intrahepatic cholestasis. Identifiers: Orphanet 284385, MedGen CN296401, MONDO:0017290.

Submission:

Genomenon, Inc
Classification: Uncertain significance for Familial intrahepatic cholestasis. Last evaluated: 2026-04-14. Review status: criteria provided, single submitter. Criteria: Genomenon Sequence Variant Interpretation Standards - Updated. Collection method: curation. Allele origin: germline. Affected: yes.
Comment: ABCB11 p.Met1202Thr (c.3605T>C) is a missense variant that changes the amino acid at residue 1202 from Methionine to Threonine. This variant has been observed in at least one proband with an ABCB11-related disorder (PMID:32793533). It is absent or not present at a significant frequency in gnomAD. In conclusion, we classify ABCB11 p.Met1202Thr (c.3605T>C) as a variant of uncertain significance.

Literature cited by the submitters: PubMed 32793533.